The following is an entry in ClinVar:

NC_000023.10:g.(?_123019513)_(123041031_?)dup

Gene: XIAP (X-linked inhibitor of apoptosis; plus strand). Cytogenetic location: Xq25.
Variant type: Duplication.
Identifiers: ClinVar variation 2423915 (VCV002423915.3).

ClinVar aggregate classification (germline): Uncertain significance (1 of 4 stars; one submission).

Conditions:
X-linked lymphoproliferative disease due to XIAP deficiency. Also called: XIAP DEFICIENCY; XIAP-Related Lymphoproliferative Disease, X-Linked. Identifiers: Orphanet 2442, Orphanet 538934, MedGen C1845076, MONDO:0010385, OMIM 300635.

Submission:

Labcorp Genetics (formerly Invitae), Labcorp
Classification: Uncertain significance for X-linked lymphoproliferative disease due to XIAP deficiency. Last evaluated: 2022-09-10. Review status: criteria provided, single submitter. Criteria: Invitae Variant Classification Sherloc (09022015). Collection method: clinical testing. Allele origin: germline.
Comment: A copy number gain of the genomic region encompassing the full coding sequence of the XIAP gene has been identified. The boundaries of this event are unknown as they extend beyond the assayed region for this gene and therefore may encompass additional genes. As the precise location of this event is unknown, it may be in tandem or it may be located elsewhere in the genome. This variant has not been reported in the literature in individuals affected with XIAP-related conditions. In summary, the available evidence is currently insufficient to determine the role of this variant in disease. Therefore, it has been classified as a Variant of Uncertain Significance.